The following is an entry in ClinVar:

ClinVar aggregate classification (germline): Uncertain significance (1 of 4 stars; one submission).

gnomAD v4.1: 3 of 1,613,918 alleles (0.00019%); highest among the groups gnomAD compares: East Asian, 0.0045%; no homozygotes.

Submission:

Women's Health and Genetics/Laboratory Corporation of America, LabCorp
Classification: Uncertain significance. Last evaluated: 2026-04-08. Review status: criteria provided, single submitter. Criteria: LabCorp Variant Classification Summary - May 2015. Collection method: clinical testing. Allele origin: germline.
Comment: Variant summary: PRKDC c.11026C>T (p.Pro3676Ser) results in a non-conservative amino acid change in the encoded protein sequence. Algorithms developed to predict the effect of missense changes on protein structure and function all suggest that this variant is likely to be disruptive. The variant allele was found at a frequency of 0.00064 in 1613868 control chromosomes in the gnomAD database, including 1 homozygotes. This frequency is not significantly higher than estimated for disease-causing variants in PRKDC, allowing no conclusion about variant significance. To our knowledge, no occurrence of c.11026C>T in individuals affected with PRKDC-related conditions and no experimental evidence demonstrating its impact on protein function have been reported. ClinVar contains an entry for this variant (Variation ID: 444752). Based on the evidence outlined above, the variant was classified as uncertain significance.

NM_006904.7(PRKDC):c.11026C>T (p.Pro3676Ser)

Gene: PRKDC (protein kinase, DNA-activated, catalytic subunit; minus strand). Cytogenetic location: 8q11.21.
Variant type: single nucleotide variant.
Coding change: c.11026C>T on transcript NM_006904.7 (MANE Select); coding-DNA position 11026, C replaced by T.
Protein change: p.Pro3676Ser; replaces proline 3676 with serine.
Molecular consequence: missense variant.
Genome position (GRCh38, 1-based): chr8:47,785,194, G>A on the plus strand (C>T on the coding strand, the complement: PRKDC is on the minus strand). VCF-style: chr8-47785194-G-A. GRCh37 (hg19) VCF-style: chr8-48697755-G-A.
Other names: c.11026C>T, p.Pro3676Ser (NM_001081640.2); short protein forms P3676S.
Identifiers: ClinVar variation 4848756 (VCV004848756.1).